The following is an entry in ClinVar:

NM_000492.4(CFTR):c.109A>T (p.Ile37Leu)

Gene: CFTR (CF transmembrane conductance regulator; plus strand). Cytogenetic location: 7q31.2.
Variant type: single nucleotide variant.
Coding change: c.109A>T on transcript NM_000492.4 (MANE Select); coding-DNA position 109, A replaced by T.
Protein change: p.Ile37Leu; replaces isoleucine 37 with leucine.
Molecular consequence: missense variant.
Genome position (GRCh38, 1-based): chr7:117,504,308, A>T. VCF-style: chr7-117504308-A-T. GRCh37 (hg19) VCF-style: chr7-117144362-A-T.
Other names: short protein forms I37L.
Identifiers: ClinVar variation 1692451 (VCV001692451.1), dbSNP rs759721412, ClinGen allele CA164963639.

ClinVar aggregate classification (germline): Uncertain significance (1 of 4 stars; one submission).

Conditions:
Hereditary pancreatitis (PCTT). Also called: Hereditary chronic pancreatitis; PRSS1-Related Hereditary Pancreatitis. Identifiers: Orphanet 676, MedGen C0238339, MONDO:0008185, OMIM 167800.

gnomAD v4.1: 2 of 1,613,008 alleles (0.00012%); no homozygotes.

Submission:

Sema4
Classification: Uncertain significance for Hereditary pancreatitis. Last evaluated: 2021-04-03. Review status: criteria provided, single submitter. Criteria: Sema4 Curation Guidelines. Collection method: curation. Allele origin: germline.
Comment: The CFTR c.109A>T (p.I37L) variant has not been reported in the literature to our knowledge. This variant was not observed in the large and broad cohorts of the Genome Aggregation Database. The variant has not been reported in ClinVar. This variant involves a moderately conserved amino acid, and computational analyses do not provide strong support for or against an impact to the protein, though these predictions have not been confirmed by functional studies. The overall evidence is insufficient to meet ACMG/AMP criteria for classifying it as benign or pathogenic. In summary, the clinical significance of this variant is currently uncertain.